The following is an entry in ClinVar:

NM_015102.5(NPHP4):c.2951C>T (p.Thr984Met)

Gene: NPHP4 (nephrocystin 4; minus strand). Cytogenetic location: 1p36.31.
Variant type: single nucleotide variant.
Coding change: c.2951C>T on transcript NM_015102.5 (MANE Select); coding-DNA position 2951, C replaced by T.
Protein change: p.Thr984Met; replaces threonine 984 with methionine.
Molecular consequence: missense variant. On other transcripts: non-coding transcript variant (1).
Genome position (GRCh38, 1-based): chr1:5,874,967, G>A on the plus strand (C>T on the coding strand, the complement: NPHP4 is on the minus strand). VCF-style: chr1-5874967-G-A. GRCh37 (hg19) VCF-style: chr1-5935027-G-A.
Other names: c.1412C>T, p.Thr471Met (NM_001291593.2); c.1415C>T, p.Thr472Met (NM_001291594.2); short protein forms T472M, T471M, T984M.
Identifiers: ClinVar variation 855326 (VCV000855326.15), dbSNP rs377729557, ClinGen allele CA553863.

ClinVar aggregate classification (germline): Uncertain significance. Review status: criteria provided, multiple submitters, no conflicts (2 of 4 stars). 5 submissions from 5 submitters: Uncertain significance (5). Last evaluated 2026-07-07.

Conditions:
Senior-Loken syndrome 4 (SLSN4). Identifiers: Orphanet 3156, MedGen C1846979, MONDO:0011756, OMIM 606996.
Nephronophthisis 4 (NPHP4). Also called: NEPHRONOPHTHISIS 4, JUVENILE. Identifiers: Orphanet 655, MedGen C1847013, MONDO:0011752, OMIM 606966.
NPHP4-related disorder. Also called: NPHP4-related condition; NPHP4-related disorders. Identifiers: MedGen CN239384.
Nephronophthisis. Also called: Juvenile Nephronophthisis. Identifiers: Orphanet 655, MedGen C0687120, MONDO:0019005, HP:0000090.

Allele frequency attached by ClinVar (database versions not stated): ExAC 0.00003; gnomAD exomes 0.00004 and 0.00005; gnomAD 0.00008 and 0.00009; TOPMed 0.00009; ESP Exome Variant Server 0.00016.
gnomAD v4.1: 78 of 1,613,092 alleles (0.0048%); highest among the groups gnomAD compares: African/African-American, 0.021%; no homozygotes.

Submissions (5):

PreventionGenetics, part of Exact Sciences
Classification: Uncertain significance for NPHP4-related condition. Last evaluated: 2026-07-07. Review status: criteria provided, single submitter. Criteria: ACMG Guidelines, 2015. Collection method: clinical testing. Allele origin: germline.
Comment: The NPHP4 c.2951C>T variant is predicted to result in the amino acid substitution p.Thr984Met. This variant has been reported along with two other NPHP4 variants (c.2203C>T, p.Arg735Trp and c.2965G>A, p.Glu989Lys) in an individual with Senior–Løken syndrome (Sallum et al 2020. PubMed ID: 32865313). This variant is reported in 0.033% of alleles in individuals of African descent in gnomAD. At this time, the clinical significance of this variant is uncertain due to the absence of conclusive functional and genetic evidence.

GeneDx
Classification: Uncertain significance. Last evaluated: 2024-11-22. Review status: criteria provided, single submitter. Criteria: GeneDx Variant Classification Process June 2021. Collection method: clinical testing. Allele origin: germline. Affected: yes.
Comment: Identified in a patient with a clinical diagnosis of Senior-Loken syndrome, in cis with another missense allele (Sallum et al., 2020); In silico analysis supports that this missense variant has a deleterious effect on protein structure/function; This variant is associated with the following publications: (PMID: 32865313)

Blueprint Genetics
Classification: Uncertain significance. Last evaluated: 2024-10-09. Review status: criteria provided, single submitter. Criteria: ACMG Guidelines, 2015. Collection method: clinical testing. Allele origin: germline.

Fulgent Genetics
Classification: Uncertain significance for Nephronophthisis 4; Senior-Loken syndrome 4. Last evaluated: 2024-06-03. Review status: criteria provided, single submitter. Criteria: ACMG Guidelines, 2015. Collection method: clinical testing. Allele origin: germline.

Labcorp Genetics (formerly Invitae), Labcorp
Classification: Uncertain significance for Nephronophthisis. Last evaluated: 2022-09-29. Review status: criteria provided, single submitter. Criteria: Invitae Variant Classification Sherloc (09022015). Collection method: clinical testing. Allele origin: germline.
Comment: This sequence change replaces threonine, which is neutral and polar, with methionine, which is neutral and non-polar, at codon 984 of the NPHP4 protein (p.Thr984Met). This variant is present in population databases (rs377729557, gnomAD 0.03%). This missense change has been observed in individual(s) with clinical features of Senior‚ÄìL√∏ken syndrome (PMID: 32865313). ClinVar contains an entry for this variant (Variation ID: 855326). Advanced modeling of protein sequence and biophysical properties (such as structural, functional, and spatial information, amino acid conservation, physicochemical variation, residue mobility, and thermodynamic stability) performed at Invitae indicates that this missense variant is not expected to disrupt NPHP4 protein function. In summary, the available evidence is currently insufficient to determine the role of this variant in disease. Therefore, it has been classified as a Variant of Uncertain Significance.

Literature cited by the submitters: PubMed 32865313 (cited by Labcorp Genetics (formerly Invitae), Labcorp).